The following is an entry in ClinVar:

NM_002351.5(SH2D1A):c.82_102dup (p.Ser28_Ser34dup)

Gene: SH2D1A (SH2 domain containing 1A; plus strand). Cytogenetic location: Xq25.
Variant type: Duplication.
Coding change: c.82_102dup on transcript NM_002351.5 (MANE Select); coding-DNA positions 82 to 102, 21 bases duplicated (AGCTATTTGCTGAGGGACAGC).
Protein change: p.Ser28_Ser34dup.
Molecular consequence: inframe insertion.
Genome position (GRCh38, 1-based): chrX:124,346,724-124,346,744, AGCTATTTGCTGAGGGACAGC duplicated; duplicating any 21 consecutive bases within chrX:124,346,722-124,346,744 gives the same sequence; the c. name uses the placement nearest the transcript's 3' end. VCF-style (leftmost placement, unchanged base first): chrX-124346721-G-GGCAGCTATTTGCTGAGGGACA. GRCh37 (hg19) VCF-style: chrX-123480571-G-GGCAGCTATTTGCTGAGGGACA.
Other names: c.82_102dup, p.Ser28_Ser34dup (NM_001114937.3).
Identifiers: ClinVar variation 956716 (VCV000956716.9), dbSNP rs2059993641, ClinGen allele CA1139667788.

ClinVar aggregate classification (germline): Uncertain significance (1 of 4 stars; one submission).

Conditions:
X-linked lymphoproliferative disease due to SH2D1A deficiency (XLP1). Also called: Epstein Barr virus infection familial fatal; Duncan's syndrome; PURTILO SYNDROME; SH2D1A-Related Lymphoproliferative Disease, X-Linked; EBV infection severe susceptibility to; DUNCAN DISEASE. Identifiers: Orphanet 2442, Orphanet 538931, MedGen C5399825, MONDO:0024551, OMIM 308240.

Submission:

Labcorp Genetics (formerly Invitae), Labcorp
Classification: Uncertain significance for X-linked lymphoproliferative disease due to SH2D1A deficiency. Last evaluated: 2022-11-23. Review status: criteria provided, single submitter. Criteria: Invitae Variant Classification Sherloc (09022015). Collection method: clinical testing. Allele origin: germline.
Comment: This variant, c.82_102dup, results in the insertion of 7 amino acid(s) of the SH2D1A protein (p.Ser28_Ser34dup), but otherwise preserves the integrity of the reading frame. This variant is not present in population databases (gnomAD no frequency). This variant has been observed in individual(s) with clinical features of X-linked recessive lymphoproliferative syndrome 1 (XLP1) (Invitae). ClinVar contains an entry for this variant (Variation ID: 956716). Experimental studies and prediction algorithms are not available or were not evaluated, and the functional significance of this variant is currently unknown. In summary, the available evidence is currently insufficient to determine the role of this variant in disease. Therefore, it has been classified as a Variant of Uncertain Significance.